The following is an entry in ClinVar:

ClinVar aggregate classification (germline): Likely pathogenic (1 of 4 stars; one submission).

Conditions:
Pulmonary fibrosis and/or bone marrow failure, Telomere-related, 4. Also called: PULMONARY FIBROSIS AND/OR BONE MARROW FAILURE SYNDROME, TELOMERE-RELATED, 4. Identifiers: Orphanet 2032, MedGen C4225347, MONDO:0014612, OMIM 616371.
Dyskeratosis congenita, autosomal recessive 6 (DKCB6). Identifiers: MedGen C4225356, MONDO:0014600, OMIM 616353.

Submission:

Labcorp Genetics (formerly Invitae), Labcorp
Classification: Likely pathogenic for Dyskeratosis congenita, autosomal recessive 6; Pulmonary fibrosis and/or bone marrow failure, Telomere-related, 4. Last evaluated: 2025-07-21. Review status: criteria provided, single submitter. Criteria: Invitae Variant Classification Sherloc (09022015). Collection method: clinical testing. Allele origin: germline.
Comment: This sequence change affects an acceptor splice site in intron 2 of the PARN gene. It is expected to disrupt RNA splicing. Variants that disrupt the donor or acceptor splice site typically lead to a loss of protein function (PMID: 16199547), and loss-of-function variants in PARN are known to be pathogenic (PMID: 9736620, 25848748, 26810774). This variant is not present in population databases (gnomAD no frequency). This variant has not been reported in the literature in individuals affected with PARN-related conditions. Algorithms developed to predict the effect of sequence changes on RNA splicing suggest that this variant may disrupt the consensus splice site. In summary, the currently available evidence indicates that the variant is pathogenic, but additional data are needed to prove that conclusively. Therefore, this variant has been classified as Likely Pathogenic.

Literature cited by the submitters: PubMed 16199547; PubMed 9736620; PubMed 25848748; PubMed 26810774.

NM_002582.4(PARN):c.98-2A>G

Gene: PARN (poly(A)-specific ribonuclease; minus strand). Cytogenetic location: 16p13.12.
Variant type: single nucleotide variant.
Coding change: c.98-2A>G on transcript NM_002582.4 (MANE Select); the canonical splice acceptor site of the intron before coding-DNA position 98, A replaced by G.
Molecular consequence: splice acceptor variant.
Genome position (GRCh38, 1-based): chr16:14,628,253, T>C on the plus strand (A>G on the coding strand, the complement: PARN is on the minus strand). VCF-style: chr16-14628253-T-C. GRCh37 (hg19) VCF-style: chr16-14722110-T-C.
Other names: c.-86-2A>G (NM_001134477.3); c.98-2A>G (NM_001242992.2).
Identifiers: ClinVar variation 4792118 (VCV004792118.1).